The following is an entry in ClinVar:

ClinVar aggregate classification (germline): Likely benign. Review status: criteria provided, multiple submitters, no conflicts (2 of 4 stars). 3 submissions from 3 submitters: Likely benign (3). Last evaluated 2024-06-23.

Conditions:
Hypertrophic cardiomyopathy. Also called: HYPERTROPHIC MYOCARDIOPATHY. Identifiers: Orphanet 217569, MedGen C0007194, MeSH D002312, MONDO:0005045, HP:0001639.
Cardiomyopathy (CMYO). Also called: Cardiomyopathies. Identifiers: Orphanet 167848, MedGen C0878544, MONDO:0004994, HP:0001638. Inheritance: Various modes of inheritance.
Cardiovascular phenotype. Identifiers: MedGen CN230736.

Allele frequency attached by ClinVar (database versions not stated): gnomAD exomes below 0.00001 and 0.00001; TOPMed below 0.00001; ExAC 0.00001.
gnomAD v4.1: 3 of 1,613,966 alleles (0.00019%); highest among the groups gnomAD compares: Admixed American, 0.0017%; no homozygotes.

Submissions (3):

Ambry Genetics
Classification: Likely benign for Cardiovascular phenotype. Last evaluated: 2024-06-23. Review status: criteria provided, single submitter. Criteria: Ambry Variant Classification Scheme 2023. Collection method: clinical testing. Allele origin: germline.

All of Us Research Program, National Institutes of Health
Classification: Likely benign for Cardiomyopathy. Last evaluated: 2023-12-13. Review status: criteria provided, single submitter. Criteria: ACMG Guidelines, 2015. Collection method: clinical testing. Allele origin: germline. Inheritance: Autosomal dominant inheritance. Observed: 2 variant alleles, 2 heterozygotes.
Comment: This study involves interpretation of variants in research participants for the purpose of population health screening. Participant phenotype was not available at the time of variant classification. Additional details can be found in publication PMID: 35346344, PMCID: PMC8962531

Labcorp Genetics (formerly Invitae), Labcorp
Classification: Likely benign for Hypertrophic cardiomyopathy. Last evaluated: 2022-05-03. Review status: criteria provided, single submitter. Criteria: Invitae Variant Classification Sherloc (09022015). Collection method: clinical testing. Allele origin: germline.

NM_000257.4(MYH7):c.3189G>A (p.Gln1063=)

Gene: MYH7 (myosin heavy chain 7; minus strand). Cytogenetic location: 14q11.2.
Variant type: single nucleotide variant.
Coding change: c.3189G>A on transcript NM_000257.4 (MANE Select); coding-DNA position 3189, G replaced by A.
Protein change: p.Gln1063=; no amino-acid change (glutamine 1063 retained).
Molecular consequence: synonymous variant.
Genome position (GRCh38, 1-based): chr14:23,422,236, C>T on the plus strand (G>A on the coding strand, the complement: MYH7 is on the minus strand). VCF-style: chr14-23422236-C-T. GRCh37 (hg19) VCF-style: chr14-23891445-C-T.
Identifiers: ClinVar variation 1135862 (VCV001135862.11), dbSNP rs779291256, ClinGen allele CA036083.